The following is an entry in ClinVar:

ClinVar aggregate classification (germline): Uncertain significance (1 of 4 stars; one submission).

Conditions:
Hereditary cancer-predisposing syndrome. Also called: Neoplastic Syndromes, Hereditary; Tumor predisposition; Hereditary Cancer Syndrome; Hereditary neoplastic syndrome. Identifiers: Orphanet 140162, MedGen C0027672, MeSH D009386, MONDO:0015356.

Submission:

Ambry Genetics
Classification: Uncertain significance for Hereditary cancer-predisposing syndrome. Last evaluated: 2022-03-01. Review status: criteria provided, single submitter. Criteria: Ambry Variant Classification Scheme 2023. Collection method: clinical testing. Allele origin: germline.
Comment: The p.L697F variant (also known as c.2089C>T), located in coding exon 14 of the PTCH1 gene, results from a C to T substitution at nucleotide position 2089. The leucine at codon 697 is replaced by phenylalanine, an amino acid with highly similar properties. This amino acid position is conserved. In addition, this alteration is predicted to be tolerated by in silico analysis. Since supporting evidence is limited at this time, the clinical significance of this alteration remains unclear.

NM_000264.5(PTCH1):c.2089C>T (p.Leu697Phe)

Genes: PTCH1 (patched 1; minus strand), LOC100507346 (uncharacterized LOC100507346; plus strand). Cytogenetic location: 9q22.32.
Variant type: single nucleotide variant.
Coding change: c.2089C>T on transcript NM_000264.5 (MANE Select); coding-DNA position 2089, C replaced by T.
Protein change: p.Leu697Phe; replaces leucine 697 with phenylalanine.
Molecular consequence: missense variant. On other transcripts: non-coding transcript variant (2).
Genome position (GRCh38, 1-based): chr9:95,468,912, G>A on the plus strand (C>T on the coding strand, the complement: PTCH1 is on the minus strand). VCF-style: chr9-95468912-G-A. GRCh37 (hg19) VCF-style: chr9-98231194-G-A.
Other names: c.1891C>T, p.Leu631Phe (NM_001083602.3); c.2086C>T, p.Leu696Phe (NM_001083603.3); c.1636C>T, p.Leu546Phe (NM_001083604.3, NM_001083605.3, NM_001083606.3 and 1 more transcripts); c.1933C>T, p.Leu645Phe (NM_001354918.2); short protein forms L631F, L645F, L697F, L696F, L546F.
Identifiers: ClinVar variation 1785684 (VCV001785684.2), dbSNP rs2538146177, ClinGen allele CA374115683.
Genomic context (GRCh38, chr9:95,468,912, plus strand): 5'-CGGAGAACTGGGAGAGCAGGTCCCTTGTGGAGCTGGTGCTCTCTGGGCTCTGGCAGCTGA[G>A]GGTGTCCTGTGTCACGGTGACGGGCTGCACAGAGATCTCGGAGCGCGGCTCAGCGGTGGT-3'
Protein context (NP_000255.2, residues 687-707): VQPVTVTQDT[Leu697Phe]SCQSPESTSS